The following is an entry in ClinVar:

ClinVar aggregate classification (germline): Conflicting classifications of pathogenicity. Review status: criteria provided, conflicting classifications (1 of 4 stars). 8 submissions from 7 submitters: Uncertain significance (3); Likely benign (3). 2 of the submissions do not count toward it. Last evaluated 2026-01-14.

Conditions:
Congenital myasthenic syndrome (CMS). Also called: Congenital Myasthenic Syndromes. Identifiers: Orphanet 590, MedGen C0751882, MeSH D020294, MONDO:0018940.
Lethal multiple pterygium syndrome (LMPS). Identifiers: Orphanet 33108, MedGen C1854678, MONDO:0009668, OMIM 253290.

Allele frequency attached by ClinVar (database versions not stated): 1000 Genomes Project 0.00020; 1000 Genomes Project 30x 0.00047; TOPMed 0.00058; ESP Exome Variant Server 0.00062; gnomAD 0.00066 and 0.00069; gnomAD exomes 0.00078.
gnomAD v4.1: 1,225 of 1,614,006 alleles (0.076%); highest among the groups gnomAD compares: Non-Finnish European, 0.097%; 1 homozygote.

Submissions (8):

Labcorp Genetics (formerly Invitae), Labcorp
Classification: Likely benign for Lethal multiple pterygium syndrome. Last evaluated: 2026-01-14. Review status: criteria provided, single submitter. Criteria: Invitae Variant Classification Sherloc (09022015). Collection method: clinical testing. Allele origin: germline.

Revvity Omics, Revvity
Classification: Uncertain significance. Last evaluated: 2024-09-23. Review status: criteria provided, single submitter. Criteria: ACMG Guidelines, 2015. Collection method: clinical testing. Allele origin: germline.

CeGaT Center for Human Genetics Tuebingen
Classification: Likely benign. Last evaluated: 2022-04-01. Review status: criteria provided, single submitter. Criteria: CeGaT Center For Human Genetics Tuebingen Variant Classification Criteria Version 2. Collection method: clinical testing. Allele origin: germline. Affected: yes. Observed: 3 variant alleles.
Comment: CHRNA1: PP3, BP5, BS1

GeneDx
Classification: Likely benign. Last evaluated: 2020-11-24. Review status: criteria provided, single submitter. Criteria: GeneDx Variant Classification Process June 2021. Collection method: clinical testing. Allele origin: germline. Affected: yes.

Illumina Laboratory Services, Illumina
Classification: Uncertain significance for Congenital myasthenic syndrome. Last evaluated: 2018-01-13. Review status: criteria provided, single submitter. Criteria: ICSL Variant Classification Criteria 13 December 2019. Collection method: clinical testing. Allele origin: germline.

Illumina Laboratory Services, Illumina
Classification: Uncertain significance for Lethal multiple pterygium syndrome. Last evaluated: 2018-01-13. Review status: criteria provided, single submitter. Criteria: ICSL Variant Classification Criteria 13 December 2019. Collection method: clinical testing. Allele origin: germline.

Genome Diagnostics Laboratory, Amsterdam University Medical Center
Classification: Uncertain significance. Review status: no assertion criteria provided. Collection method: clinical testing. Allele origin: germline. Affected: yes. Study: VKGL Data-share Consensus. Not counted in ClinVar's aggregate classification.

Joint Genome Diagnostic Labs from Nijmegen and Maastricht, Radboudumc and MUMC+
Classification: Uncertain significance. Review status: no assertion criteria provided. Collection method: clinical testing. Allele origin: germline. Affected: yes. Study: VKGL Data-share Consensus. Not counted in ClinVar's aggregate classification.

NM_000079.4(CHRNA1):c.224G>A (p.Arg75His)

Gene: CHRNA1 (cholinergic receptor nicotinic alpha 1 subunit; minus strand). Cytogenetic location: 2q31.1.
Variant type: single nucleotide variant.
Coding change: c.224G>A on transcript NM_000079.4 (MANE Select); coding-DNA position 224, G replaced by A.
Protein change: p.Arg75His; replaces arginine 75 with histidine.
Molecular consequence: missense variant.
Genome position (GRCh38, 1-based): chr2:174,759,341, C>T on the plus strand (G>A on the coding strand, the complement: CHRNA1 is on the minus strand). VCF-style: chr2-174759341-C-T. GRCh37 (hg19) VCF-style: chr2-175624069-C-T.
Other names: c.224G>A, p.Arg75His (NM_001039523.3); short protein forms R75H.
Identifiers: ClinVar variation 332450 (VCV000332450.63), dbSNP rs147488907, ClinGen allele CA1974662.